The following is an entry in ClinVar:

ClinVar aggregate classification (germline): Uncertain significance (1 of 4 stars; one submission).

gnomAD v4.1: 2 of 1,550,292 alleles (0.00013%); highest among the groups gnomAD compares: African/African-American, 0.0027%; no homozygotes.

Submission:

Ambry Genetics
Classification: Uncertain significance. Last evaluated: 2025-12-14. Review status: criteria provided, single submitter. Criteria: Ambry Variant Classification Scheme 2023. Collection method: clinical testing. Allele origin: germline.
Comment: The p.G280C variant (also known as c.838G>T), located in coding exon 4 of the GFI1 gene, results from a G to T substitution at nucleotide position 838. The glycine at codon 280 is replaced by cysteine, an amino acid with highly dissimilar properties. This amino acid position is conserved. In addition, the in silico prediction for this alteration is inconclusive. Based on the available evidence, the clinical significance of this variant remains unclear.

NM_005263.5(GFI1):c.838G>T (p.Gly280Cys)

Gene: GFI1 (growth factor independent 1 transcriptional repressor; minus strand). Cytogenetic location: 1p22.1.
Variant type: single nucleotide variant.
Coding change: c.838G>T on transcript NM_005263.5 (MANE Select); coding-DNA position 838, G replaced by T.
Protein change: p.Gly280Cys; replaces glycine 280 with cysteine.
Molecular consequence: missense variant.
Genome position (GRCh38, 1-based): chr1:92,480,434, C>A on the plus strand (G>T on the coding strand, the complement: GFI1 is on the minus strand). VCF-style: chr1-92480434-C-A. GRCh37 (hg19) VCF-style: chr1-92945991-C-A.
Other names: c.838G>T, p.Gly280Cys (NM_001127215.3, NM_001127216.3); short protein forms G280C.
Identifiers: ClinVar variation 4671613 (VCV004671613.1).